The following is an entry in ClinVar:

NM_007294.4(BRCA1):c.3792dup (p.Asn1265fs)

Genes: BRCA1 (BRCA1 DNA repair associated; minus strand), LOC126862571 (BRD4-independent group 4 enhancer GRCh37_chr17:41243136-41244335; plus strand). Cytogenetic location: 17q21.31.
Variant type: Duplication.
Coding change: c.3792dup on transcript NM_007294.4 (MANE Select); coding-DNA position 3792, one base duplicated (G; older notation c.3792dupG).
Protein change: p.Asn1265fs; shifts the reading frame from asparagine 1265.
Molecular consequence: frameshift variant. On other transcripts: intron variant (135).
Genome position (GRCh38, 1-based): chr17:43,091,739, C duplicated on the plus strand (G on the coding strand, the reverse complement: BRCA1 is on the minus strand). VCF-style (leftmost placement, unchanged base first): chr17-43091738-T-TC. GRCh37 (hg19) VCF-style: chr17-41243755-T-TC.
Other names: c.3528dup, p.Asn1177fs (NM_001407926.1, NM_001407927.1, NM_001407928.1 and 9 more transcripts); c.3525dup, p.Asn1176fs (NM_001407930.1, NM_001407931.1, NM_001407932.1 and 2 more transcripts); c.3669dup, p.Asn1224fs (NM_001407681.1, NM_001407682.1, NM_001407683.1 and 19 more transcripts); c.3792dup, p.Asn1265fs (NM_001407684.1, NM_001407854.1, NM_001407858.1 and 30 more transcripts); c.3666dup, p.Asn1223fs (NM_001407685.1, NM_001407686.1, NM_001407687.1 and 11 more transcripts); c.3651dup, p.Asn1218fs (NM_001407692.1, NM_001407694.1, NM_001407695.1 and 29 more transcripts); c.3648dup, p.Asn1217fs (NM_001407740.1, NM_001407741.1, NM_001407742.1 and 20 more transcripts); c.3579dup, p.Asn1194fs (NM_001407853.1, NM_001407894.1, NM_001407895.1 and 9 more transcripts); and 42 more; short protein forms N1154fs, N1176fs, N1194fs, N1198fs, N1218fs, N1223fs, N1264fs, N1138fs.
Identifiers: ClinVar variation 3481837 (VCV003481837.1).

ClinVar aggregate classification (germline): Pathogenic (1 of 4 stars; one submission).

Conditions:
Hereditary cancer-predisposing syndrome. Also called: Tumor predisposition; Neoplastic Syndromes, Hereditary; Hereditary Cancer Syndrome; Hereditary neoplastic syndrome. Identifiers: Orphanet 140162, MedGen C0027672, MeSH D009386, MONDO:0015356.

Submission:

Ambry Genetics
Classification: Pathogenic for Hereditary cancer-predisposing syndrome. Last evaluated: 2024-08-23. Review status: criteria provided, single submitter. Criteria: Ambry Variant Classification Scheme 2023. Collection method: clinical testing. Allele origin: germline.
Comment: The c.3792dupG pathogenic mutation, located in coding exon 9 of the BRCA1 gene, results from a duplication of G at nucleotide position 3792, causing a translational frameshift with a predicted alternate stop codon (p.N1265Efs*2). This variant is considered to be rare based on population cohorts in the Genome Aggregation Database (gnomAD). This alteration is expected to result in loss of function by premature protein truncation or nonsense-mediated mRNA decay. As such, this alteration is interpreted as a disease-causing mutation.